The following is an entry in ClinVar:

NM_002972.4(SBF1):c.2371G>A (p.Ala791Thr)

Gene: SBF1 (SET binding factor 1; minus strand). Cytogenetic location: 22q13.33.
Variant type: single nucleotide variant.
Coding change: c.2371G>A on transcript NM_002972.4 (MANE Select); coding-DNA position 2371, G replaced by A.
Protein change: p.Ala791Thr; replaces alanine 791 with threonine.
Molecular consequence: missense variant.
Genome position (GRCh38, 1-based): chr22:50,462,230, C>T on the plus strand (G>A on the coding strand, the complement: SBF1 is on the minus strand). VCF-style: chr22-50462230-C-T. GRCh37 (hg19) VCF-style: chr22-50900659-C-T.
Other names: c.2374G>A, p.Ala792Thr (NM_001365819.1, NM_001410794.1); c.2371G>A, p.Ala791Thr (NM_001410795.1, NM_197971.1); short protein forms A791T, A792T.
Identifiers: ClinVar variation 2485356 (VCV002485356.4), dbSNP rs558438739, ClinGen allele CA10317255.
Genomic context (GRCh38, chr22:50,462,230, plus strand): 5'-CCTCCACTGGGCCCAACCCCCAGTCCCTGCCTCACCTGTTGGTGACCAGGCTGTTGCTGG[C>T]GCTCTCCAGGTCGCCCAGCCCGGCACGCTCCCGAAGTAGGCGGCTCTTGCTGCTGTCCAG-3'
Protein context (NP_002963.2, residues 781-801): ERAGLGDLES[Ala791Thr]SNSLVTNSMA

ClinVar aggregate classification (germline): Uncertain significance. Review status: criteria provided, multiple submitters, no conflicts (2 of 4 stars). 2 submissions from 2 submitters: Uncertain significance (2). Last evaluated 2025-08-22.

Allele frequency attached by ClinVar (database versions not stated): TOPMed below 0.00001; ExAC 0.00001; gnomAD exomes 0.00001; gnomAD 0.00003; 1000 Genomes Project 0.00020; 1000 Genomes Project 30x 0.00031.
gnomAD v4.1: 21 of 1,607,802 alleles (0.0013%); highest among the groups gnomAD compares: Middle Eastern, 0.016%; no homozygotes.

Submissions (2):

Ambry Genetics
Classification: Uncertain significance. Last evaluated: 2025-08-22. Review status: criteria provided, single submitter. Criteria: Ambry Variant Classification Scheme 2023. Collection method: clinical testing. Allele origin: germline.

GeneDx
Classification: Uncertain significance. Last evaluated: 2024-06-12. Review status: criteria provided, single submitter. Criteria: GeneDx Variant Classification Process June 2021. Collection method: clinical testing. Allele origin: germline. Affected: yes.
Comment: Not observed at a significant frequency in large population cohorts (gnomAD); In silico analysis supports that this missense variant does not alter protein structure/function; Has not been previously published as pathogenic or benign to our knowledge